The following is an entry in ClinVar:

NM_181789.4(GLDN):c.95C>A (p.Ala32Glu)

Gene: GLDN (gliomedin; plus strand). Cytogenetic location: 15q21.2.
Variant type: single nucleotide variant.
Coding change: c.95C>A on transcript NM_181789.4 (MANE Select); coding-DNA position 95, C replaced by A.
Protein change: p.Ala32Glu; replaces alanine 32 with glutamic acid.
Molecular consequence: missense variant.
Genome position (GRCh38, 1-based): chr15:51,341,779, C>A. VCF-style: chr15-51341779-C-A. GRCh37 (hg19) VCF-style: chr15-51633976-C-A.
Other names: GLDN, ALA32GLU (rs779432560); short protein forms A32E.
Identifiers: ClinVar variation 268106 (VCV000268106.2), dbSNP rs779432560, ClinGen allele CA7560216.

ClinVar aggregate classification (germline): Likely pathogenic. Review status: criteria provided, single submitter (1 of 4 stars). 2 submissions from 2 submitters: Likely pathogenic (1). 1 of the submissions does not count toward it. Last evaluated 2020-11-30.

Conditions:
Lethal congenital contracture syndrome 11 (LCCS11). Identifiers: MedGen C4310670, MONDO:0014965, OMIM 617194.

Allele frequency attached by ClinVar (database versions not stated): gnomAD 0.00006; TOPMed 0.00014.
gnomAD v4.1: 24 of 1,498,146 alleles (0.0016%); highest among the groups gnomAD compares: African/African-American, 0.032%; no homozygotes.

Submissions (2):

HudsonAlpha Institute for Biotechnology
Classification: Likely pathogenic for Lethal congenital contracture syndrome 11. Last evaluated: 2020-11-30. Review status: criteria provided, single submitter. Criteria: ACMG Guidelines, 2015. Collection method: research. Allele origin: inherited. Affected: yes. Observed: 1 variant allele. Study: CSER-SouthSeq.
Comment: ACMG codes:PS3, PM2

OMIM
Classification: Pathogenic for LETHAL CONGENITAL CONTRACTURE SYNDROME 11. Last evaluated: 2016-11-09. Review status: no assertion criteria provided. Collection method: literature only. Allele origin: germline. Not counted in ClinVar's aggregate classification.

Literature cited by the submitters: PubMed 27616481 (cited by OMIM).